The following is an entry in ClinVar:

ClinVar aggregate classification (germline): Conflicting classifications of pathogenicity. Review status: criteria provided, conflicting classifications (1 of 4 stars). 3 submissions from 3 submitters: Uncertain significance (2); Likely benign (1). Last evaluated 2025-09-26.

Conditions:
Inborn genetic diseases. Identifiers: MedGen C0950123, MeSH D030342.
Primary immunodeficiency with post-measles-mumps-rubella vaccine viral infection. Also called: Immunodeficiency 44. Identifiers: Orphanet 431166, MedGen C4225260, MONDO:0014715, OMIM 616636.

Allele frequency attached by ClinVar (database versions not stated): TOPMed 0.00001; gnomAD exomes 0.00003; ExAC 0.00007; ESP Exome Variant Server 0.00008.
gnomAD v4.1: 47 of 1,613,924 alleles (0.0029%); highest among the groups gnomAD compares: South Asian, 0.033%; 2 homozygotes.

Submissions (3):

Ambry Genetics
Classification: Uncertain significance for Inborn genetic diseases. Last evaluated: 2025-09-26. Review status: criteria provided, single submitter. Criteria: Ambry Variant Classification Scheme 2023. Collection method: clinical testing. Allele origin: germline.

Labcorp Genetics (formerly Invitae), Labcorp
Classification: Uncertain significance for Primary immunodeficiency with post-measles-mumps-rubella vaccine viral infection. Last evaluated: 2023-11-27. Review status: criteria provided, single submitter. Criteria: Invitae Variant Classification Sherloc (09022015). Collection method: clinical testing. Allele origin: germline.
Comment: This sequence change replaces arginine, which is basic and polar, with histidine, which is basic and polar, at codon 73 of the STAT2 protein (p.Arg73His). This variant is present in population databases (rs375433807, gnomAD 0.05%). This variant has not been reported in the literature in individuals affected with STAT2-related conditions. ClinVar contains an entry for this variant (Variation ID: 2165827). Advanced modeling of protein sequence and biophysical properties (such as structural, functional, and spatial information, amino acid conservation, physicochemical variation, residue mobility, and thermodynamic stability) performed at Invitae indicates that this missense variant is not expected to disrupt STAT2 protein function with a negative predictive value of 80%. In summary, the available evidence is currently insufficient to determine the role of this variant in disease. Therefore, it has been classified as a Variant of Uncertain Significance.

Blueprint Genetics
Classification: Likely benign. Last evaluated: 2022-11-28. Review status: criteria provided, single submitter. Criteria: ACMG Guidelines, 2015. Collection method: clinical testing. Allele origin: germline.

NM_005419.4(STAT2):c.218G>A (p.Arg73His)

Gene: STAT2 (signal transducer and activator of transcription 2; minus strand). Cytogenetic location: 12q13.3.
Variant type: single nucleotide variant.
Coding change: c.218G>A on transcript NM_005419.4 (MANE Select); coding-DNA position 218, G replaced by A.
Protein change: p.Arg73His; replaces arginine 73 with histidine.
Molecular consequence: missense variant.
Genome position (GRCh38, 1-based): chr12:56,356,199, C>T on the plus strand (G>A on the coding strand, the complement: STAT2 is on the minus strand). VCF-style: chr12-56356199-C-T. GRCh37 (hg19) VCF-style: chr12-56749983-C-T.
Other names: c.218G>A, p.Arg73His (NM_001385110.1, NM_001385111.1, NM_001385113.1 and 3 more transcripts); c.218G>A (NM_005419.3); short protein forms R73H.
Identifiers: ClinVar variation 2165827 (VCV002165827.4), dbSNP rs375433807, ClinGen allele CA6630928.